The following is an entry in ClinVar:

NM_004958.4(MTOR):c.6083A>G (p.His2028Arg)

Gene: MTOR (mechanistic target of rapamycin kinase; minus strand). Cytogenetic location: 1p36.22.
Variant type: single nucleotide variant.
Coding change: c.6083A>G on transcript NM_004958.4 (MANE Select); coding-DNA position 6083, A replaced by G.
Protein change: p.His2028Arg; replaces histidine 2028 with arginine.
Molecular consequence: missense variant.
Genome position (GRCh38, 1-based): chr1:11,127,757, T>C on the plus strand (A>G on the coding strand, the complement: MTOR is on the minus strand). VCF-style: chr1-11127757-T-C. GRCh37 (hg19) VCF-style: chr1-11187814-T-C.
Other names: c.6083A>G, p.His2028Arg (NM_001386500.1); c.4835A>G, p.His1612Arg (NM_001386501.1); short protein forms H1612R, H2028R.
Identifiers: ClinVar variation 3774183 (VCV003774183.1).

ClinVar aggregate classification (germline): Uncertain significance (1 of 4 stars; one submission).

Submission:

GeneDx
Classification: Uncertain significance. Last evaluated: 2024-09-19. Review status: criteria provided, single submitter. Criteria: GeneDx Variant Classification Process June 2021. Collection method: clinical testing. Allele origin: germline. Affected: yes.
Comment: Not observed at significant frequency in large population cohorts (gnomAD); In silico analysis supports that this missense variant has a deleterious effect on protein structure/function; Has not been previously published as pathogenic or benign to our knowledge